The following is an entry in ClinVar:

ClinVar aggregate classification (germline): Uncertain significance (1 of 4 stars; one submission).

gnomAD v4.1: 7 of 1,612,120 alleles (0.00043%); highest among the groups gnomAD compares: East Asian, 0.0022%; no homozygotes.

Submission:

Dasa
Classification: Uncertain significance. Last evaluated: 2026-04-06. Review status: criteria provided, single submitter. Criteria: DASA Assertion Criteria. Collection method: clinical testing. Allele origin: germline.
Comment: NM_014727.3(KMT2B):c.3242A>G (p.Lys1081Arg) is a missense variant that results in the substitution of lysine with arginine. This variant is rare in population databases. The currently available literature and clinical evidence are not sufficient to establish a definitive association between this variant and the reported condition. Therefore, this variant is classified as a variant of uncertain significance.

NM_014727.3(KMT2B):c.3242A>G (p.Lys1081Arg)

Gene: KMT2B (lysine methyltransferase 2B; plus strand). Cytogenetic location: 19q13.12.
Variant type: single nucleotide variant.
Coding change: c.3242A>G on transcript NM_014727.3 (MANE Select); coding-DNA position 3242, A replaced by G.
Protein change: p.Lys1081Arg; replaces lysine 1081 with arginine.
Molecular consequence: missense variant.
Genome position (GRCh38, 1-based): chr19:35,723,915, A>G. VCF-style: chr19-35723915-A-G. GRCh37 (hg19) VCF-style: chr19-36214816-A-G.
Other names: short protein forms K1081R.
Identifiers: ClinVar variation 4886089 (VCV004886089.2).
Genomic context (GRCh38, chr19:35,723,915, plus strand): 5'-ACCCAGGGCCCGAGGAGCAGGACTCCCTCCTGCAGCGCAAGTCAGCTCGGCGCTGCGTCA[A>G]ACAGCGACCCTCCTATGATATCTTCGAGGATTCGGATGACTCGGAGCCCGGGGGCCCCCC-3'
Protein context (NP_055542.1, residues 1071-1091): LQRKSARRCV[Lys1081Arg]QRPSYDIFED